The following is an entry in ClinVar:

NM_012418.4(FSCN2):c.470G>C (p.Arg157Pro)

Gene: FSCN2 (fascin actin-bundling protein 2, retinal; plus strand). Cytogenetic location: 17q25.3.
Variant type: single nucleotide variant.
Coding change: c.470G>C on transcript NM_012418.4 (MANE Select); coding-DNA position 470, G replaced by C.
Protein change: p.Arg157Pro; replaces arginine 157 with proline.
Molecular consequence: missense variant.
Genome position (GRCh38, 1-based): chr17:81,529,001, G>C. VCF-style: chr17-81529001-G-C. GRCh37 (hg19) VCF-style: chr17-79496027-G-C.
Other names: c.470G>C, p.Arg157Pro (NM_001077182.3); short protein forms R157P.
Identifiers: ClinVar variation 966275 (VCV000966275.10), dbSNP rs199574936, ClinGen allele CA8836691.

ClinVar aggregate classification (germline): Uncertain significance. Review status: criteria provided, multiple submitters, no conflicts (2 of 4 stars). 2 submissions from 2 submitters: Uncertain significance (2). Last evaluated 2026-01-21.

Allele frequency attached by ClinVar (database versions not stated): TOPMed 0.00004.
gnomAD v4.1: 25 of 1,583,414 alleles (0.0016%); highest among the groups gnomAD compares: Middle Eastern, 0.033%; no homozygotes.

Submissions (2):

Labcorp Genetics (formerly Invitae), Labcorp
Classification: Uncertain significance. Last evaluated: 2026-01-21. Review status: criteria provided, single submitter. Criteria: Invitae Variant Classification Sherloc (09022015). Collection method: clinical testing. Allele origin: germline.
Comment: This sequence change replaces arginine, which is basic and polar, with proline, which is neutral and non-polar, at codon 157 of the FSCN2 protein (p.Arg157Pro). This variant is present in population databases (rs199574936, gnomAD 0.003%). This variant has not been reported in the literature in individuals affected with FSCN2-related conditions. ClinVar contains an entry for this variant (Variation ID: 966275). An algorithm developed to predict the effect of missense changes on protein structure and function (PolyPhen-2) suggests that this variant is likely to be tolerated. In summary, the available evidence is currently insufficient to determine the role of this variant in disease. Therefore, it has been classified as a Variant of Uncertain Significance.

Ambry Genetics
Classification: Uncertain significance. Last evaluated: 2025-08-03. Review status: criteria provided, single submitter. Criteria: Ambry Variant Classification Scheme 2023. Collection method: clinical testing. Allele origin: germline.